The following is an entry in ClinVar:

ClinVar aggregate classification (germline): Pathogenic/Likely pathogenic. Review status: criteria provided, multiple submitters, no conflicts (2 of 4 stars). 5 submissions from 5 submitters: Pathogenic (3); Likely pathogenic (2). Last evaluated 2025-09-15.

Conditions:
Kartagener syndrome (CILD1). Also called: CILIARY DYSKINESIA, PRIMARY, 1; Dextrocardia bronchiectasis and sinusitis; SIEWERT SYNDROME; CILIARY DYSKINESIA, PRIMARY, 1, WITH OR WITHOUT SITUS INVERSUS; IMMOTILE CILIA SYNDROME; POLYNESIAN BRONCHIECTASIS. Identifiers: Orphanet 244, MedGen C4551906, MONDO:0009484, OMIM 244400.
DNAI1-related disorders.
Primary ciliary dyskinesia. Also called: Ciliary dyskinesia. Identifiers: Orphanet 244, MedGen C0008780, MONDO:0016575, HP:0012265.

Submissions (5):

Natera, Inc.
Classification: Likely pathogenic for Primary ciliary dyskinesia. Last evaluated: 2025-09-15. Review status: criteria provided, single submitter. Criteria: Natera Variant Classification Schema (03/2026). Collection method: clinical testing. Allele origin: germline.
Comment: The c.1348_1352delAACTT variant in DNAI1 is a frameshift variant predicted to shift the reading frame beginning at codon 450 and leads to a stop codon 6 codons downstream. This variant is expected to result in nonsense mediated decay, truncation, or a dysfunctional protein product. This variant is rare in the general population with a frequency below the threshold expected for the associated phenotype(s). Given the available evidence, this variant is classified as Likely Pathogenic.

Blueprint Genetics
Classification: Likely pathogenic for DNAI1-related disorders. Last evaluated: 2024-10-11. Review status: criteria provided, single submitter. Criteria: ACMG Guidelines, 2015. Collection method: clinical testing. Allele origin: germline. Affected: yes. Observed: 3 variant alleles.

Myriad Genetics, Inc.
Classification: Pathogenic for Kartagener syndrome. Last evaluated: 2024-05-14. Review status: criteria provided, single submitter. Criteria: Myriad Autosomal Dominant, Autosomal Recessive and X-Linked Classification Criteria (2023). Collection method: clinical testing. Allele origin: unknown.
Comment: NM_012144.2(DNAI1):c.1348_1352del5(N450Lfs*6) is expected to be pathogenic in the context of primary ciliary dyskinesia, DNAI1-related. This variant is predicted to lead to an abnormal or absent protein product due to the creation of a premature termination codon in DNAI1, a gene where loss-of-function variants are known to be pathogenic. Please note: this variant was assessed in the context of healthy population screening.

Fulgent Genetics
Classification: Pathogenic for Kartagener syndrome. Last evaluated: 2024-04-25. Review status: criteria provided, single submitter. Criteria: ACMG Guidelines, 2015. Collection method: clinical testing. Allele origin: germline.

Labcorp Genetics (formerly Invitae), Labcorp
Classification: Pathogenic for Primary ciliary dyskinesia. Last evaluated: 2024-02-14. Review status: criteria provided, single submitter. Criteria: Invitae Variant Classification Sherloc (09022015). Collection method: clinical testing. Allele origin: germline.
Comment: This sequence change creates a premature translational stop signal (p.Asn450Leufs*6) in the DNAI1 gene. It is expected to result in an absent or disrupted protein product. Loss-of-function variants in DNAI1 are known to be pathogenic (PMID: 16858015, 29363216). This variant is present in population databases (no rsID available, gnomAD 0.003%). This premature translational stop signal has been observed in individual(s) with primary ciliary dyskinesia (PMID: 30300419). This variant is also known as c.1345_1349delCTTAA. ClinVar contains an entry for this variant (Variation ID: 1377462). For these reasons, this variant has been classified as Pathogenic.

Literature cited by the submitters: PubMed 16858015 (cited by Labcorp Genetics (formerly Invitae), Labcorp); PubMed 29363216 (cited by Labcorp Genetics (formerly Invitae), Labcorp); PubMed 30300419 (cited by Labcorp Genetics (formerly Invitae), Labcorp).

NM_012144.4(DNAI1):c.1348_1352del (p.Asn450fs)

Gene: DNAI1 (dynein axonemal intermediate chain 1; plus strand). Cytogenetic location: 9p13.3.
Variant type: Deletion.
Coding change: c.1348_1352del on transcript NM_012144.4 (MANE Select); coding-DNA positions 1348 to 1352, 5 bases deleted (AACTT; older notation c.1348_1352delAACTT).
Protein change: p.Asn450fs; shifts the reading frame from asparagine 450.
Molecular consequence: frameshift variant.
Genome position (GRCh38, 1-based): chr9:34,512,145-34,512,149, AACTT deleted; deleting any 5 consecutive bases within chr9:34,512,142-34,512,149 gives the same sequence; the c. name uses the placement nearest the transcript's 3' end. VCF-style (leftmost placement, unchanged base first): chr9-34512141-CCTTAA-C. GRCh37 (hg19) VCF-style: chr9-34512139-CCTTAA-C.
Other names: c.1360_1364del, p.Asn454fs (NM_001281428.2); c.1348_1352delAACTT (NM_012144.3); short protein forms N450fs, N454fs.
Identifiers: ClinVar variation 1377462 (VCV001377462.12), dbSNP rs867262419, ClinGen allele CA192649937.
Genomic context (GRCh38, chr9:34,512,141, plus strand): 5'-CCAGAGCTCACATTTTGGGATGTTTCAGGTCAAGTGGCAGAAGGATGACATGGACCAAAA[CCTTAA>C]CTTCTTCTCTGTGTCATCTGACGGCAGGATTGTGTCTTGGACTCTCGTGAAGGTGCCTAT-3'